The following is an entry in ClinVar:

ClinVar aggregate classification (germline): Uncertain significance. Review status: criteria provided, multiple submitters, no conflicts (2 of 4 stars). 4 submissions from 4 submitters: Uncertain significance (4). Last evaluated 2026-05-01.

Conditions:
Inborn genetic diseases. Identifiers: MedGen C0950123, MeSH D030342.
Neuronal ceroid lipofuscinosis 13 (CLN13). Also called: CEROID LIPOFUSCINOSIS, NEURONAL, 13 (KUFS TYPE); CLN13 Disease. Identifiers: Orphanet 352709, Orphanet 79262, MedGen C3715049, MONDO:0014147, OMIM 615362.

Allele frequency attached by ClinVar (database versions not stated): gnomAD exomes 0.00009; gnomAD 0.00028; TOPMed 0.00040; 1000 Genomes Project 0.00020.
gnomAD v4.1: 167 of 1,497,536 alleles (0.011%); highest among the groups gnomAD compares: Admixed American, 0.1%; no homozygotes.

Submissions (4):

GeneDx
Classification: Uncertain significance. Last evaluated: 2026-05-01. Review status: criteria provided, single submitter. Criteria: GeneDx Variant Classification Process June 2021. Collection method: clinical testing. Allele origin: germline.
Comment: In silico analysis suggests that this missense variant does not alter protein structure/function; Has not been previously published as pathogenic or benign to our knowledge

Mayo Clinic Laboratories, Mayo Clinic
Classification: Uncertain significance. Last evaluated: 2025-10-03. Review status: criteria provided, single submitter. Criteria: ACMG Guidelines, 2015. Collection method: clinical testing. Allele origin: germline. Observed: 1 variant allele.
Comment: BP4_moderate

Ambry Genetics
Classification: Uncertain significance for Inborn genetic diseases. Last evaluated: 2024-08-05. Review status: criteria provided, single submitter. Criteria: Ambry Variant Classification Scheme 2023. Collection method: clinical testing. Allele origin: germline.

Labcorp Genetics (formerly Invitae), Labcorp
Classification: Uncertain significance for Neuronal ceroid lipofuscinosis 13. Last evaluated: 2022-08-07. Review status: criteria provided, single submitter. Criteria: Invitae Variant Classification Sherloc (09022015). Collection method: clinical testing. Allele origin: germline.
Comment: This sequence change replaces valine, which is neutral and non-polar, with glycine, which is neutral and non-polar, at codon 69 of the CTSF protein (p.Val69Gly). This variant is present in population databases (rs571179513, gnomAD 0.1%). This variant has not been reported in the literature in individuals affected with CTSF-related conditions. Algorithms developed to predict the effect of missense changes on protein structure and function output the following: SIFT: "Tolerated"; PolyPhen-2: "Benign"; Align-GVGD: "Class C0". The glycine amino acid residue is found in multiple mammalian species, which suggests that this missense change does not adversely affect protein function. In summary, the available evidence is currently insufficient to determine the role of this variant in disease. Therefore, it has been classified as a Variant of Uncertain Significance.

NM_003793.4(CTSF):c.206T>G (p.Val69Gly)

Gene: CTSF (cathepsin F; minus strand). Cytogenetic location: 11q13.2.
Variant type: single nucleotide variant.
Coding change: c.206T>G on transcript NM_003793.4 (MANE Select); coding-DNA position 206, T replaced by G.
Protein change: p.Val69Gly; replaces valine 69 with glycine.
Molecular consequence: missense variant.
Genome position (GRCh38, 1-based): chr11:66,568,281, A>C on the plus strand (T>G on the coding strand, the complement: CTSF is on the minus strand). VCF-style: chr11-66568281-A-C. GRCh37 (hg19) VCF-style: chr11-66335752-A-C.
Other names: p.Val69Gly; short protein forms V69G.
Identifiers: ClinVar variation 1785369 (VCV001785369.8), dbSNP rs571179513, ClinGen allele CA224083338.